The following is an entry in ClinVar:

NM_018896.5(CACNA1G):c.6848_6854del (p.Leu2283fs)

Gene: CACNA1G (calcium voltage-gated channel subunit alpha1 G; plus strand). Cytogenetic location: 17q21.33.
Variant type: Deletion.
Coding change: c.6848_6854del on transcript NM_018896.5 (MANE Select); coding-DNA positions 6848 to 6854, 7 bases deleted (TGGGCAC; older notation c.6848_6854delTGGGCAC).
Protein change: p.Leu2283fs; shifts the reading frame from leucine 2283.
Molecular consequence: frameshift variant. On other transcripts: non-coding transcript variant (5).
Genome position (GRCh38, 1-based): chr17:50,626,465-50,626,471, TGGGCAC deleted; deleting any 7 consecutive bases within chr17:50,626,464-50,626,471 gives the same sequence; the c. name uses the placement nearest the transcript's 3' end. VCF-style (leftmost placement, unchanged base first): chr17-50626463-CCTGGGCA-C. GRCh37 (hg19) VCF-style: chr17-48703824-CCTGGGCA-C.
Other names: c.6230_6236del, p.Leu2077fs (NM_198376.3); c.6815_6821del, p.Leu2272fs (NM_198377.3); c.6536_6542del, p.Leu2179fs (NM_198378.3); c.6611_6617del, p.Leu2204fs (NM_198379.3); c.6659_6665del, p.Leu2220fs (NM_001256324.2); c.6590_6596del, p.Leu2197fs (NM_001256325.2); c.6578_6584del, p.Leu2193fs (NM_001256326.2); c.6548_6554del, p.Leu2183fs (NM_001256327.2); and 18 more; short protein forms L2100fs, L2133fs, L2145fs, L2154fs, L2163fs, L2193fs, L2197fs, L2212fs.
Identifiers: ClinVar variation 2831949 (VCV002831949.3), dbSNP rs2545921305, ClinGen allele CA2739268251.

ClinVar aggregate classification (germline): Uncertain significance (1 of 4 stars; one submission).

Submission:

Labcorp Genetics (formerly Invitae), Labcorp
Classification: Uncertain significance. Last evaluated: 2024-10-16. Review status: criteria provided, single submitter. Criteria: Invitae Variant Classification Sherloc (09022015). Collection method: clinical testing. Allele origin: germline.
Comment: This sequence change creates a premature translational stop signal (p.Leu2283Glnfs*29) in the CACNA1G gene. While this is not anticipated to result in nonsense mediated decay, it is expected to disrupt the last 95 amino acid(s) of the CACNA1G protein. This variant is not present in population databases (gnomAD no frequency). This variant has not been reported in the literature in individuals affected with CACNA1G-related conditions. Experimental studies and prediction algorithms are not available or were not evaluated, and the functional significance of this variant is currently unknown. In summary, the available evidence is currently insufficient to determine the role of this variant in disease. Therefore, it has been classified as a Variant of Uncertain Significance.